The following is an entry in ClinVar:

NM_001082538.3(TCTN1):c.1009G>C (p.Gly337Arg)

Gene: TCTN1 (tectonic family member 1; plus strand). Cytogenetic location: 12q24.11.
Variant type: single nucleotide variant.
Coding change: c.1009G>C on transcript NM_001082538.3 (MANE Select); coding-DNA position 1009, G replaced by C.
Protein change: p.Gly337Arg; replaces glycine 337 with arginine.
Molecular consequence: missense variant. On other transcripts: non-coding transcript variant (1).
Genome position (GRCh38, 1-based): chr12:110,641,054, G>C. VCF-style: chr12-110641054-G-C. GRCh37 (hg19) VCF-style: chr12-111078859-G-C.
Other names: c.841G>C, p.Gly281Arg (NM_001173975.3); c.829G>C, p.Gly277Arg (NM_001173976.2); c.1009G>C, p.Gly337Arg (NM_001319680.2, NM_001082537.3); c.475G>C, p.Gly159Arg (NM_001319681.2); c.967G>C, p.Gly323Arg (NM_024549.6); short protein forms G337R, G323R, G277R, G159R, G281R.
Identifiers: ClinVar variation 1442467 (VCV001442467.6), dbSNP rs2136130583, ClinGen allele CA386704901.

ClinVar aggregate classification (germline): Uncertain significance (1 of 4 stars; one submission).

Conditions:
Joubert syndrome. Also called: CEREBELLOPARENCHYMAL DISORDER IV; JOUBERT-BOLTSHAUSER SYNDROME; Familial aplasia of the vermis. Identifiers: Orphanet 475, MedGen C5979921, MONDO:0018772.
Meckel-Gruber syndrome. Also called: DYSENCEPHALIA SPLANCHNOCYSTICA; GRUBER SYNDROME; Dysencephalia splachnocystica. Identifiers: Orphanet 564, MedGen C0265215, MONDO:0018921.

gnomAD v4.1: 2 of 1,614,238 alleles (0.00012%); highest among the groups gnomAD compares: Admixed American, 0.0033%; no homozygotes.

Submission:

Labcorp Genetics (formerly Invitae), Labcorp
Classification: Uncertain significance for Joubert syndrome; Meckel-Gruber syndrome. Last evaluated: 2021-11-30. Review status: criteria provided, single submitter. Criteria: Invitae Variant Classification Sherloc (09022015). Collection method: clinical testing. Allele origin: germline.
Comment: In summary, the available evidence is currently insufficient to determine the role of this variant in disease. Therefore, it has been classified as a Variant of Uncertain Significance. Algorithms developed to predict the effect of missense changes on protein structure and function (SIFT, PolyPhen-2, Align-GVGD) all suggest that this variant is likely to be disruptive. This variant has not been reported in the literature in individuals affected with TCTN1-related conditions. This variant is not present in population databases (gnomAD no frequency). This sequence change replaces glycine, which is neutral and non-polar, with arginine, which is basic and polar, at codon 337 of the TCTN1 protein (p.Gly337Arg).